The following is an entry in ClinVar:

ClinVar aggregate classification (germline): Benign/Likely benign. Review status: criteria provided, multiple submitters, no conflicts (2 of 4 stars). 4 submissions from 4 submitters: Benign (1); Likely benign (2). 1 of the submissions does not count toward it. Last evaluated 2026-02-02.

Conditions:
Congenital disorder of deglycosylation (CDDG). Identifiers: MedGen C3808991, MONDO:0031376.
NGLY1-related disorder. Also called: NGLY1-related condition.

Allele frequency attached by ClinVar (database versions not stated): gnomAD 0.00150; TOPMed 0.00164; ESP Exome Variant Server 0.00231; 1000 Genomes Project 0.00300; 1000 Genomes Project 30x 0.00390.
gnomAD v4.1: 560 of 1,612,702 alleles (0.035%); highest among the groups gnomAD compares: African/African-American, 0.54%; no homozygotes.

Submissions (4):

Labcorp Genetics (formerly Invitae), Labcorp
Classification: Benign for Congenital disorder of deglycosylation. Last evaluated: 2026-02-02. Review status: criteria provided, single submitter. Criteria: Invitae Variant Classification Sherloc (09022015). Collection method: clinical testing. Allele origin: germline.

GeneDx
Classification: Likely benign. Last evaluated: 2022-06-14. Review status: criteria provided, single submitter. Criteria: GeneDx Variant Classification Process June 2021. Collection method: clinical testing. Allele origin: germline. Affected: yes.
Comment: See Variant Classification Assertion Criteria.

Breakthrough Genomics
Classification: Likely benign. Review status: criteria provided, single submitter. Criteria: ACMG Guidelines, 2015. Collection method: not provided. Allele origin: germline. Inheritance: Autosomal recessive inheritance. Affected: yes.

PreventionGenetics, part of Exact Sciences
Classification: Benign for NGLY1-related condition. Last evaluated: 2024-06-08. Review status: no assertion criteria provided. Collection method: clinical testing. Allele origin: germline. Not counted in ClinVar's aggregate classification.
Comment: This variant is classified as benign based on ACMG/AMP sequence variant interpretation guidelines (Richards et al. 2015 PMID: 25741868, with internal and published modifications).

NM_018297.4(NGLY1):c.550G>T (p.Val184Phe)

Gene: NGLY1 (N-glycanase 1; minus strand). Cytogenetic location: 3p24.2.
Variant type: single nucleotide variant.
Coding change: c.550G>T on transcript NM_018297.4 (MANE Select); coding-DNA position 550, G replaced by T.
Protein change: p.Val184Phe; replaces valine 184 with phenylalanine.
Molecular consequence: missense variant.
Genome position (GRCh38, 1-based): chr3:25,751,206, C>A on the plus strand (G>T on the coding strand, the complement: NGLY1 is on the minus strand). VCF-style: chr3-25751206-C-A. GRCh37 (hg19) VCF-style: chr3-25792697-C-A.
Other names: c.550G>T, p.Val184Phe (NM_001145293.2, NM_001145295.2); c.424G>T, p.Val142Phe (NM_001145294.2); short protein forms V184F, V142F.
Identifiers: ClinVar variation 474226 (VCV000474226.17), dbSNP rs139636452, ClinGen allele CA2289447.